The following is an entry in ClinVar:

NM_004360.5(CDH1):c.*1835T>C

Gene: CDH1 (cadherin 1; plus strand). Cytogenetic location: 16q22.1.
Variant type: single nucleotide variant.
Coding change: c.*1835T>C on transcript NM_004360.5 (MANE Select); 1835 bases downstream of the stop codon, T replaced by C.
Molecular consequence: 3 prime UTR variant.
Genome position (GRCh38, 1-based): chr16:68,835,334, T>C. VCF-style: chr16-68835334-T-C. GRCh37 (hg19) VCF-style: chr16-68869237-T-C.
Other names: c.*1835T>C (LRG_301t1, NM_001317184.2, NM_001317185.2 and 1 more transcripts).
Identifiers: ClinVar variation 320299 (VCV000320299.8), dbSNP rs13339481, ClinGen allele CA10648808.

ClinVar aggregate classification (germline): Benign. Review status: reviewed by expert panel (3 of 4 stars). 2 submissions from 2 submitters: Benign (1). 1 of the submissions does not count toward it. Last evaluated 2023-08-08.

Conditions:
CDH1-related diffuse gastric and lobular breast cancer syndrome. Also called: CDH1-related diffuse gastric and lobular breast cancer. Identifiers: MedGen CN311521, MONDO:0100488.
Hereditary diffuse gastric adenocarcinoma (HDGC). Also called: DIFFUSE GASTRIC AND LOBULAR BREAST CANCER SYNDROME. Identifiers: Orphanet 26106, MedGen C1708349, MONDO:0007648, OMIM 137215.

Allele frequency attached by ClinVar (database versions not stated): gnomAD exomes 0.00138; 1000 Genomes Project 0.00659; gnomAD 0.00676 and 0.00738; 1000 Genomes Project 30x 0.00687; TOPMed 0.00753.
gnomAD v4.1: 1,120 of 224,344 alleles (0.5%); highest among the groups gnomAD compares: African/African-American, 2.3%; 16 homozygotes.

Submissions (2):

Clingen Gastric Cancer Variant Curation Expert Panel
Classification: Benign for CDH1-related diffuse gastric and lobular breast cancer syndrome. Last evaluated: 2023-08-08. Review status: reviewed by expert panel. Criteria: ClinGen CDH1 ACMG Specifications V3.1. Collection method: curation. Allele origin: germline. Inheritance: Autosomal dominant inheritance.
Comment: The NM_004360.5(CDH1):c.*1835T>C variant has an allele frequency of 0.02238 (2.238%, 195/8712 alleles) in the African subpopulation of the gnomAD v2.1.1 cohort (BA1). Therefore, this variant meets criteria to be classified as benign. ACMG/AMP criteria applied, as specified by the CDH1 Variant Curation Expert Panel (Variant Interpretation Guidelines Version 3.1): BA1.

Illumina Laboratory Services, Illumina
Classification: Benign for Hereditary diffuse gastric adenocarcinoma. Last evaluated: 2018-01-12. Review status: criteria provided, single submitter. Criteria: ICSL Variant Classification Criteria 13 December 2019. Collection method: clinical testing. Allele origin: germline. Not counted in ClinVar's aggregate classification.
Comment: This variant was observed in the ICSL laboratory as part of a predisposition screen in an ostensibly healthy population. It had not been previously curated by ICSL or reported in the Human Gene Mutation Database (HGMD: prior to June 1st, 2018), and was therefore a candidate for classification through an automated scoring system. Utilizing variant allele frequency, disease prevalence and penetrance estimates, and inheritance mode, an automated score was calculated to assess if this variant is too frequent to cause the disease. Based on the score and internal cut-off values, a variant classified as benign is not then subjected to further curation. The score for this variant resulted in a classification of benign for this disease.